The following is an entry in ClinVar:

ClinVar aggregate classification (germline): Uncertain significance (1 of 4 stars; one submission).

Conditions:
Familial thoracic aortic aneurysm and aortic dissection (TAAD). Also called: Thoracic aortic aneurysms and dissections. Identifiers: Orphanet 91387, MedGen C4707243, MONDO:0019625.

gnomAD v4.1: 1 of 1,613,882 alleles (0.000062%); highest among the groups gnomAD compares: African/African-American, 0.0013%; no homozygotes.

Submission:

Color Diagnostics, LLC DBA Color Health
Classification: Uncertain significance for Familial thoracic aortic aneurysm and aortic dissection. Last evaluated: 2025-07-07. Review status: criteria provided, single submitter. Criteria: ACMG Guidelines, 2015. Collection method: clinical testing. Allele origin: germline.
Comment: This missense variant replaces asparagine with serine at codon 1665 of the FBN1 protein. Computational prediction suggests that this variant may have deleterious impact on protein structure and function. To our knowledge, functional studies have not been reported for this variant. This variant has not been reported in individuals affected with FBN1-related disorders in the literature. This variant has not been identified in the general population by the Genome Aggregation Database (gnomAD). The available evidence is insufficient to determine the role of this variant in disease conclusively. Therefore, this variant is classified as a Variant of Uncertain Significance.

NM_000138.5(FBN1):c.4994A>G (p.Asn1665Ser)

Gene: FBN1 (fibrillin 1; minus strand). Cytogenetic location: 15q21.1.
Variant type: single nucleotide variant.
Coding change: c.4994A>G on transcript NM_000138.5 (MANE Select); coding-DNA position 4994, A replaced by G.
Protein change: p.Asn1665Ser; replaces asparagine 1665 with serine.
Molecular consequence: missense variant.
Genome position (GRCh38, 1-based): chr15:48,463,970, T>C on the plus strand (A>G on the coding strand, the complement: FBN1 is on the minus strand). VCF-style: chr15-48463970-T-C. GRCh37 (hg19) VCF-style: chr15-48756167-T-C.
Other names: c.4994A>G, p.Asn1665Ser (NM_001406716.1); short protein forms N1665S.
Identifiers: ClinVar variation 4757399 (VCV004757399.1).